The following is an entry in ClinVar:

ClinVar aggregate classification (germline): Pathogenic. Review status: criteria provided, multiple submitters, no conflicts (2 of 4 stars). 2 submissions from 2 submitters: Pathogenic (2). Last evaluated 2025-09-30.

Submissions (2):

Institute of Human Genetics, FAU Erlangen, Friedrich-Alexander-Universität Erlangen-Nürnberg
Classification: Pathogenic. Last evaluated: 2025-09-30. Review status: criteria provided, single submitter. Criteria: Hauer et al. (Genet Med. 2018). Collection method: clinical testing. Allele origin: germline. Inheritance: Unknown mechanism. Affected: yes. Observed: 1 variant allele.
Comment: This variant has been identified by standard clinical testing. familial breast cancer Selected ACMG criteria: Pathogenic (I):PP5;PM2;PVS1

CeGaT Center for Human Genetics Tuebingen
Classification: Pathogenic. Last evaluated: 2025-04-01. Review status: criteria provided, single submitter. Criteria: CeGaT Center For Human Genetics Tuebingen Variant Classification Criteria Version 2. Collection method: clinical testing. Allele origin: germline. Affected: yes. Observed: 1 variant allele.
Comment: BARD1: PVS1, PM2

NM_000465.4(BARD1):c.877_878del (p.Ser293fs)

Gene: BARD1 (BRCA1 associated RING domain 1; minus strand). Cytogenetic location: 2q35.
Variant type: Microsatellite.
Coding change: c.877_878del on transcript NM_000465.4 (MANE Select); coding-DNA positions 877 to 878, 2 bases deleted (AG; older notation c.877_878delAG).
Protein change: p.Ser293fs; shifts the reading frame from serine 293.
Molecular consequence: frameshift variant. On other transcripts: non-coding transcript variant (2), intron variant (3).
Genome position (GRCh38, 1-based): chr2:214,780,996-214,780,997, CT deleted on the plus strand (AG on the coding strand, the reverse complement: BARD1 is on the minus strand); deleting any 2 consecutive bases within chr2:214,780,996-214,780,999 gives the same sequence; the c. name uses the placement nearest the transcript's 3' end. VCF-style (leftmost placement, unchanged base first): chr2-214780995-GCT-G. GRCh37 (hg19) VCF-style: chr2-215645719-GCT-G.
Other names: c.820_821del, p.Ser274fs (NM_001282543.2); c.158+28415_158+28416del (NM_001282548.2); c.215+16064_215+16065del (NM_001282545.2); c.364+11300_364+11301del (NM_001282549.2); short protein forms S274fs, S293fs.
Identifiers: ClinVar variation 3898733 (VCV003898733.7).